The following is an entry in ClinVar:

ClinVar aggregate classification (germline): Pathogenic. Review status: criteria provided, multiple submitters, no conflicts (2 of 4 stars). 2 submissions from 2 submitters: Pathogenic (2). Last evaluated 2022-03-16.

Conditions:
Congenital heart defects, dysmorphic facial features, and intellectual developmental disorder (CHDFIDD). Identifiers: Orphanet 646278, MedGen C4479246, MONDO:0044302, OMIM 617360.

Submissions (2):

GeneDx
Classification: Pathogenic. Last evaluated: 2022-03-16. Review status: criteria provided, single submitter. Criteria: GeneDx Variant Classification Process June 2021. Collection method: clinical testing. Allele origin: germline. Affected: yes.
Comment: Not observed in large population cohorts (gnomAD); In silico analysis supports that this missense variant has a deleterious effect on protein structure/function; This variant is associated with the following publications: (PMID: 29393965)

Women's Health and Genetics/Laboratory Corporation of America, LabCorp
Classification: Pathogenic for Congenital heart defects, dysmorphic facial features, and intellectual developmental disorder. Last evaluated: 2020-04-24. Review status: criteria provided, single submitter. Criteria: LabCorp Variant Classification Summary - May 2015. Collection method: clinical testing. Allele origin: germline.
Comment: Variant summary: CDK13 c.2209C>T (p.Arg737Cys) results in a non-conservative amino acid change located in the Protein kinase domain (IPR000719) of the encoded protein sequence and close to the ATP-binding region (aa 711-734, van den Akker_2018). Four of five in-silico tools predict a damaging effect of the variant on protein function. The variant was absent in 245878 control chromosomes (gnomAD). The available data on variant occurrences in the general population are insufficient to allow any conclusion about variant significance. These data suggest that this variant is associated with the disease. One ClinVar submitter (evaluation after 2014) cites the variant as pathogenic. Based on the evidence outlined above, the variant was classified as pathogenic.

Literature cited by the submitters: PubMed 29393965 (cited by Women's Health and Genetics/Laboratory Corporation of America, LabCorp).

NM_003718.5(CDK13):c.2209C>T (p.Arg737Cys)

Gene: CDK13 (cyclin dependent kinase 13; plus strand). Cytogenetic location: 7p14.1.
Variant type: single nucleotide variant.
Coding change: c.2209C>T on transcript NM_003718.5 (MANE Select); coding-DNA position 2209, C replaced by T.
Protein change: p.Arg737Cys; replaces arginine 737 with cysteine.
Molecular consequence: missense variant.
Genome position (GRCh38, 1-based): chr7:40,001,887, C>T. VCF-style: chr7-40001887-C-T. GRCh37 (hg19) VCF-style: chr7-40041486-C-T.
Other names: c.2209C>T, p.Arg737Cys (NM_031267.4); short protein forms R737C.
Identifiers: ClinVar variation 423480 (VCV000423480.6), dbSNP rs1064796451, ClinGen allele CA16618458.
Genomic context (GRCh38, chr7:40,001,887, plus strand): 5'-ACTGGTAACCTGATTTTATTAAATTCCTTAATAGGAGAAATGGTAGCCTTAAAAAAAGTA[C>T]GTCTGGATAATGAAAAGGAAGGCTTTCCAATTACAGCAATTCGAGAAATTAAAATTCTCC-3'
Protein context (NP_003709.3, residues 727-747): TGEMVALKKV[Arg737Cys]LDNEKEGFPI